The following is an entry in ClinVar:

ClinVar aggregate classification (germline): Uncertain significance. Review status: criteria provided, multiple submitters, no conflicts (2 of 4 stars). 3 submissions from 3 submitters: Uncertain significance (3). Last evaluated 2024-06-21.

Conditions:
Hereditary cancer-predisposing syndrome. Also called: Neoplastic Syndromes, Hereditary; Tumor predisposition; Hereditary Cancer Syndrome; Hereditary neoplastic syndrome. Identifiers: Orphanet 140162, MedGen C0027672, MeSH D009386, MONDO:0015356.
Familial adenomatous polyposis 1 (FAP1). Also called: FAMILIAL ADENOMATOUS POLYPOSIS 1, ATTENUATED; POLYPOSIS, ADENOMATOUS INTESTINAL. Identifiers: MedGen C2713442, MONDO:0021056, OMIM 175100. Disease mechanism: loss of function.

Submissions (3):

Labcorp Genetics (formerly Invitae), Labcorp
Classification: Uncertain significance for Familial adenomatous polyposis 1. Last evaluated: 2024-06-21. Review status: criteria provided, single submitter. Criteria: Invitae Variant Classification Sherloc (09022015). Collection method: clinical testing. Allele origin: germline.
Comment: This variant, c.3834_3836del, results in the deletion of 1 amino acid(s) of the APC protein (p.Ser1279del), but otherwise preserves the integrity of the reading frame. This variant is present in population databases (no rsID available, gnomAD 0.01%). This variant has not been reported in the literature in individuals affected with APC-related conditions. ClinVar contains an entry for this variant (Variation ID: 1000658). Experimental studies and prediction algorithms are not available or were not evaluated, and the functional significance of this variant is currently unknown. In summary, the available evidence is currently insufficient to determine the role of this variant in disease. Therefore, it has been classified as a Variant of Uncertain Significance.

Baylor Genetics
Classification: Uncertain significance for Familial adenomatous polyposis 1. Last evaluated: 2023-10-18. Review status: criteria provided, single submitter. Criteria: ACMG Guidelines, 2015. Collection method: clinical testing. Allele origin: unknown.

Ambry Genetics
Classification: Uncertain significance for Hereditary cancer-predisposing syndrome. Last evaluated: 2022-04-08. Review status: criteria provided, single submitter. Criteria: Ambry Variant Classification Scheme 2023. Collection method: clinical testing. Allele origin: germline.
Comment: The c.3834_3836delATC variant (also known as p.S1279del) is located in coding exon 15 of the APC gene. This variant results from an in-frame ATC deletion at nucleotide positions 3834 to 3836. This results in the in-frame deletion of a serine at codon 1279. This amino acid position is highly conserved in available vertebrate species. In addition, this alteration is predicted to be deleterious by in silico analysis (Choi Y et al. PLoS ONE. 2012; 7(10):e46688). Since supporting evidence is limited at this time, the clinical significance of this alteration remains unclear.

NM_000038.6(APC):c.3831ATC[1] (p.Ser1279del)

Gene: APC (APC regulator of Wnt signaling pathway; plus strand). Cytogenetic location: 5q22.2.
Variant type: Microsatellite.
Coding change: c.3831ATC[1] on transcript NM_000038.6 (MANE Select); one copy of the 3-base unit ATC starting at c.3831; the reference has two copies in a row; one copy, 3 bases deleted; also written c.3834_3836del.
Protein change: p.Ser1279del; deletes serine 1279.
Molecular consequence: inframe deletion.
Genome position (GRCh38, 1-based): chr5:112,839,428-112,839,430, ATC deleted; deleting any 3 consecutive bases within chr5:112,839,425-112,839,430 gives the same sequence; the position shown is the placement nearest the transcript's 3' end. VCF-style (leftmost placement, unchanged base first): chr5-112839424-TATC-T. GRCh37 (hg19) VCF-style: chr5-112175121-TATC-T.
Other names: c.3831ATC[1], p.Ser1279del (NM_001127510.3, NM_001354895.2); c.3777ATC[1], p.Ser1261del (NM_001127511.3); c.3885ATC[1], p.Ser1297del (NM_001354896.2); c.3861ATC[1], p.Ser1289del (NM_001354897.2); c.3756ATC[1], p.Ser1254del (NM_001354898.2); c.3747ATC[1], p.Ser1251del (NM_001354899.2); c.3708ATC[1], p.Ser1238del (NM_001354900.2); c.3654ATC[1], p.Ser1220del (NM_001354901.2); and 6 more; short protein forms S1119del, S1153del, S1178del, S1188del, S1220del, S1238del, S1251del, S1254del.
Identifiers: ClinVar variation 1000658 (VCV001000658.13), dbSNP rs1257663822, ClinGen allele CA562217605.